The following is an entry in ClinVar:

NM_001943.5(DSG2):c.122A>T (p.His41Leu)

Gene: DSG2 (desmoglein 2; plus strand). Cytogenetic location: 18q12.1.
Variant type: single nucleotide variant.
Coding change: c.122A>T on transcript NM_001943.5 (MANE Select); coding-DNA position 122, A replaced by T.
Protein change: p.His41Leu; replaces histidine 41 with leucine.
Molecular consequence: missense variant.
Genome position (GRCh38, 1-based): chr18:31,519,843, A>T. VCF-style: chr18-31519843-A-T. GRCh37 (hg19) VCF-style: chr18-29099806-A-T.
Other names: c.122A>T (LRG_397t1); short protein forms H41L.
Identifiers: ClinVar variation 659450 (VCV000659450.20), dbSNP rs777373864, ClinGen allele CA041722.
Genomic context (GRCh38, chr18:31,519,843, plus strand): 5'-GCAATATTCTATTGTTATAGGTCTTAAGCACAAGAAATGAAAATAAGCTGCTTCCTAAAC[A>T]TCCTCATTTAGTGCGGCAAAAGCGCGCCTGGATCACCGCCCCCGTGGCTCTTCGGGAGGG-3'
Protein context (NP_001934.2, residues 31-51): TRNENKLLPK[His41Leu]PHLVRQKRAW

ClinVar aggregate classification (germline): Uncertain significance. Review status: criteria provided, multiple submitters, no conflicts (2 of 4 stars). 8 submissions from 8 submitters: Uncertain significance (8). Last evaluated 2026-03-20.

Conditions:
Arrhythmogenic right ventricular dysplasia 10. Also called: Arrhythmogenic Right Ventricular Dysplasia/Cardiomyopathy10; ARRHYTHMOGENIC RIGHT VENTRICULAR DYSPLASIA, FAMILIAL, 10; Arrhythmogenic right ventricular dysplasia/cardiomyopathy, type 10. Identifiers: MedGen C1857777, MONDO:0012434, OMIM 610193.
Dilated cardiomyopathy 1BB (CMD1BB). Also called: CARDIOMYOPATHY, DILATED, 1BB, SUSCEPTIBILITY TO. Identifiers: Orphanet 154, MedGen C2752072, MONDO:0013030, OMIM 612877.
Cardiovascular phenotype. Identifiers: MedGen CN230736.
Arrhythmogenic right ventricular cardiomyopathy (ARVD). Also called: Arrhythmogenic cardiomyopathy; Cardiomyopathy, ARVC; Arrhythmogenic right ventricular dysplasia; Arrhythmogenic Right Ventricular Cardiomyopathy (ARVC). Identifiers: Orphanet 247, MedGen C0349788, MeSH D019571, MONDO:0016587. Disease mechanism: loss of function. Inheritance: Various modes of inheritance.
Cardiomyopathy (CMYO). Also called: Cardiomyopathies. Identifiers: Orphanet 167848, MedGen C0878544, MONDO:0004994, HP:0001638. Inheritance: Various modes of inheritance.

Allele frequency attached by ClinVar (database versions not stated): ExAC 0.00001; gnomAD exomes 0.00001; TOPMed 0.00002; gnomAD 0.00003.
gnomAD v4.1: 43 of 1,614,090 alleles (0.0027%); highest among the groups gnomAD compares: Non-Finnish European, 0.0035%; no homozygotes.

Submissions (8):

Women's Health and Genetics/Laboratory Corporation of America, LabCorp
Classification: Uncertain significance. Last evaluated: 2026-03-20. Review status: criteria provided, single submitter. Criteria: LabCorp Variant Classification Summary - May 2015. Collection method: clinical testing. Allele origin: germline.

Molecular Diagnostic Laboratory for Inherited Cardiovascular Disease, Montreal Heart Institute
Classification: Uncertain significance for Cardiovascular phenotype. Last evaluated: 2025-04-09. Review status: criteria provided, single submitter. Criteria: ACMG Guidelines, 2015. Collection method: clinical testing. Allele origin: germline. Affected: yes.
Comment: PM1, PM2, BP4

Ambry Genetics
Classification: Uncertain significance for Cardiovascular phenotype. Last evaluated: 2024-12-28. Review status: criteria provided, single submitter. Criteria: Ambry Variant Classification Scheme 2023. Collection method: clinical testing. Allele origin: germline.
Comment: The p.H41L variant (also known as c.122A>T), located in coding exon 3 of the DSG2 gene, results from an A to T substitution at nucleotide position 122. The histidine at codon 41 is replaced by leucine, an amino acid with similar properties. Another alteration affecting the same amino acid, p.H41N (c.121C>A), has been reported in association with hypertrophic cardiomyopathy (HCM) (Lopes LR et al. Heart, 2015 Feb;101:294-301). This amino acid position is not well conserved in available vertebrate species. In addition, this alteration is predicted to be tolerated by in silico analysis. Since supporting evidence is limited at this time, the clinical significance of this alteration remains unclear.

Labcorp Genetics (formerly Invitae), Labcorp
Classification: Uncertain significance for Arrhythmogenic right ventricular dysplasia 10. Last evaluated: 2024-12-23. Review status: criteria provided, single submitter. Criteria: Invitae Variant Classification Sherloc (09022015). Collection method: clinical testing. Allele origin: germline.
Comment: This sequence change replaces histidine, which is basic and polar, with leucine, which is neutral and non-polar, at codon 41 of the DSG2 protein (p.His41Leu). This variant is present in population databases (rs777373864, gnomAD 0.002%). This missense change has been observed in individual(s) with clinical features of arrhythmogenic cardiomyopathy (internal data). ClinVar contains an entry for this variant (Variation ID: 659450). Invitae Evidence Modeling of protein sequence and biophysical properties (such as structural, functional, and spatial information, amino acid conservation, physicochemical variation, residue mobility, and thermodynamic stability) indicates that this missense variant is not expected to disrupt DSG2 protein function with a negative predictive value of 95%. In summary, the available evidence is currently insufficient to determine the role of this variant in disease. Therefore, it has been classified as a Variant of Uncertain Significance.

All of Us Research Program, National Institutes of Health
Classification: Uncertain significance for Arrhythmogenic right ventricular cardiomyopathy. Last evaluated: 2024-07-20. Review status: criteria provided, single submitter. Criteria: ACMG Guidelines, 2015. Collection method: clinical testing. Allele origin: germline. Inheritance: Autosomal dominant inheritance. Observed: 9 variant alleles, 9 heterozygotes.
Comment: This missense variant replaces histidine with leucine at codon 41 of the DSG2 protein. Computational prediction suggests that this variant may not impact protein structure and function (internally defined REVEL score threshold <= 0.5, PMID: 27666373). To our knowledge, functional studies have not been reported for this variant. This variant has not been reported in individuals affected with cardiovascular disorders in the literature. This variant has been identified in 3/280906 chromosomes in the general population by the Genome Aggregation Database (gnomAD). The available evidence is insufficient to determine the role of this variant in disease conclusively. Therefore, this variant is classified as a Variant of Uncertain Significance.

This study involves interpretation of variants in research participants for the purpose of population health screening. Participant phenotype was not available at the time of variant classification. Additional details can be found in publication PMID: 35346344, PMCID: PMC8962531

Color Diagnostics, LLC DBA Color Health
Classification: Uncertain significance for Cardiomyopathy. Last evaluated: 2024-03-06. Review status: criteria provided, single submitter. Criteria: ACMG Guidelines, 2015. Collection method: clinical testing. Allele origin: germline.
Comment: This missense variant replaces histidine with leucine at codon 41 of the DSG2 protein. Computational prediction suggests that this variant may not impact protein structure and function (internally defined REVEL score threshold <= 0.5, PMID: 27666373). To our knowledge, functional studies have not been reported for this variant. This variant has not been reported in individuals affected with DSG2-related disorders in the literature. This variant has been identified in 3/280906 chromosomes in the general population by the Genome Aggregation Database (gnomAD). The available evidence is insufficient to determine the role of this variant in disease conclusively. Therefore, this variant is classified as a Variant of Uncertain Significance.

Fulgent Genetics
Classification: Uncertain significance for Arrhythmogenic right ventricular dysplasia 10; Dilated cardiomyopathy 1BB. Last evaluated: 2021-09-09. Review status: criteria provided, single submitter. Criteria: ACMG Guidelines, 2015. Collection method: clinical testing. Allele origin: unknown.

Illumina Laboratory Services, Illumina
Classification: Uncertain significance for Arrhythmogenic right ventricular dysplasia 10. Last evaluated: 2018-01-15. Review status: criteria provided, single submitter. Criteria: ICSL Variant Classification Criteria 13 December 2019. Collection method: clinical testing. Allele origin: germline.